The following is an entry in ClinVar:

NM_000393.5(COL5A2):c.3109C>T (p.Pro1037Ser)

Gene: COL5A2 (collagen type V alpha 2 chain; minus strand). Cytogenetic location: 2q32.2.
Variant type: single nucleotide variant.
Coding change: c.3109C>T on transcript NM_000393.5 (MANE Select); coding-DNA position 3109, C replaced by T.
Protein change: p.Pro1037Ser; replaces proline 1037 with serine.
Molecular consequence: missense variant.
Genome position (GRCh38, 1-based): chr2:189,049,385, G>A on the plus strand (C>T on the coding strand, the complement: COL5A2 is on the minus strand). VCF-style: chr2-189049385-G-A. GRCh37 (hg19) VCF-style: chr2-189914111-G-A.
Other names: short protein forms P1037S.
Identifiers: ClinVar variation 636380 (VCV000636380.3), dbSNP rs1576493048, ClinGen allele CA349865453.

ClinVar aggregate classification (germline): Uncertain significance. Review status: criteria provided, multiple submitters, no conflicts (2 of 4 stars). 2 submissions from 2 submitters: Uncertain significance (2). Last evaluated 2025-01-21.

Conditions:
Familial thoracic aortic aneurysm and aortic dissection (TAAD). Also called: Thoracic aortic aneurysms and dissections. Identifiers: Orphanet 91387, MedGen C4707243, MONDO:0019625.

Allele frequency attached by ClinVar (database versions not stated): gnomAD exomes 0.00001.
gnomAD v4.1: 5 of 1,613,450 alleles (0.00031%); no homozygotes.

Submissions (2):

Ambry Genetics
Classification: Uncertain significance for Familial thoracic aortic aneurysm and aortic dissection. Last evaluated: 2025-01-21. Review status: criteria provided, single submitter. Criteria: Ambry Variant Classification Scheme 2023. Collection method: clinical testing. Allele origin: germline.
Comment: The p.P1037S variant (also known as c.3109C>T), located in coding exon 44 of the COL5A2 gene, results from a C to T substitution at nucleotide position 3109. The proline at codon 1037 is replaced by serine, an amino acid with similar properties. This amino acid position is well conserved in available vertebrate species. In addition, the in silico prediction for this alteration is inconclusive. Based on the available evidence, the clinical significance of this variant remains unclear.

Blueprint Genetics
Classification: Uncertain significance. Last evaluated: 2024-08-08. Review status: criteria provided, single submitter. Criteria: ACMG Guidelines, 2015. Collection method: clinical testing. Allele origin: germline.